The following is an entry in ClinVar:

ClinVar aggregate classification (germline): Uncertain significance (1 of 4 stars; one submission).

Conditions:
Familial thoracic aortic aneurysm and aortic dissection (TAAD). Also called: Thoracic aortic aneurysms and dissections. Identifiers: Orphanet 91387, MedGen C4707243, MONDO:0019625.

gnomAD v4.1: 1 of 1,613,088 alleles (0.000062%); highest among the groups gnomAD compares: Non-Finnish European, 0.000085%; no homozygotes.

Submission:

Ambry Genetics
Classification: Uncertain significance for Familial thoracic aortic aneurysm and aortic dissection. Last evaluated: 2026-07-09. Review status: criteria provided, single submitter. Criteria: Ambry Variant Classification Scheme 2023. Collection method: clinical testing. Allele origin: germline.
Comment: The p.P553S variant (also known as c.1657C>T), located in coding exon 12 of the FBN2 gene, results from a C to T substitution at nucleotide position 1657. The proline at codon 553 is replaced by serine, an amino acid with similar properties. This amino acid position is conserved. In addition, this alteration is predicted to be deleterious by in silico analysis. Based on the available evidence, the clinical significance of this variant remains unclear.

NM_001999.4(FBN2):c.1657C>T (p.Pro553Ser)

Gene: FBN2 (fibrillin 2; minus strand). Cytogenetic location: 5q23.3.
Variant type: single nucleotide variant.
Coding change: c.1657C>T on transcript NM_001999.4 (MANE Select); coding-DNA position 1657, C replaced by T.
Protein change: p.Pro553Ser; replaces proline 553 with serine.
Molecular consequence: missense variant.
Genome position (GRCh38, 1-based): chr5:128,378,837, G>A on the plus strand (C>T on the coding strand, the complement: FBN2 is on the minus strand). VCF-style: chr5-128378837-G-A. GRCh37 (hg19) VCF-style: chr5-127714530-G-A.
Other names: short protein forms P553S.
Identifiers: ClinVar variation 5021615 (VCV005021615.1).